The following is an entry in ClinVar:

NM_001127178.3(PIGG):c.371C>G (p.Thr124Arg)

Gene: PIGG (phosphatidylinositol glycan anchor biosynthesis class G (EMM blood group); plus strand). Cytogenetic location: 4p16.3.
Variant type: single nucleotide variant.
Coding change: c.371C>G on transcript NM_001127178.3 (MANE Select); coding-DNA position 371, C replaced by G.
Protein change: p.Thr124Arg; replaces threonine 124 with arginine.
Molecular consequence: missense variant. On other transcripts: 5 prime UTR variant (4), non-coding transcript variant (10), intron variant (1).
Genome position (GRCh38, 1-based): chr4:505,728, C>G. VCF-style: chr4-505728-C-G. GRCh37 (hg19) VCF-style: chr4-499517-C-G.
Other names: c.104C>G, p.Thr35Arg (NM_001289051.2, NM_001289053.2, NM_001289057.2 and 2 more transcripts); c.5C>G, p.Thr2Arg (NM_001289055.2); c.-517C>G (NM_001345988.2); c.371C>G, p.Thr124Arg (NM_001345989.2, NM_017733.5); c.-1255C>G (NM_001345990.2); c.-1117C>G (NM_001345991.2); c.-842C>G (NM_001345994.2); c.361-3101C>G (NM_001289052.2); and 1 more; short protein forms T35R, T124R, T2R.
Identifiers: ClinVar variation 1392174 (VCV001392174.5), dbSNP rs370385328, ClinGen allele CA2792987.

ClinVar aggregate classification (germline): Uncertain significance. Review status: criteria provided, multiple submitters, no conflicts (2 of 4 stars). 3 submissions from 3 submitters: Uncertain significance (3). Last evaluated 2024-12-13.

Conditions:
Intellectual disability, autosomal recessive 53 (NEDHSCA). Also called: NEURODEVELOPMENTAL DISORDER WITH OR WITHOUT HYPOTONIA, SEIZURES, AND CEREBELLAR ATROPHY; GLYCOSYLPHOSPHATIDYLINOSITOL BIOSYNTHESIS DEFECT 13; Mental retardation, autosomal recessive 53. Identifiers: Orphanet 488635, MedGen C4310794, MONDO:0014832, OMIM 616917.
Inborn genetic diseases. Identifiers: MedGen C0950123, MeSH D030342.

gnomAD v4.1: 58 of 1,612,184 alleles (0.0036%); highest among the groups gnomAD compares: Non-Finnish European, 0.0046%; no homozygotes.

Submissions (3):

GeneDx
Classification: Uncertain significance. Last evaluated: 2024-12-13. Review status: criteria provided, single submitter. Criteria: GeneDx Variant Classification Process June 2021. Collection method: clinical testing. Allele origin: germline. Affected: yes.
Comment: Not observed at significant frequency in large population cohorts (gnomAD); In silico analysis supports that this missense variant has a deleterious effect on protein structure/function; Has not been previously published as pathogenic or benign to our knowledge

Ambry Genetics
Classification: Uncertain significance for Inborn genetic diseases. Last evaluated: 2022-05-25. Review status: criteria provided, single submitter. Criteria: Ambry Variant Classification Scheme 2023. Collection method: clinical testing. Allele origin: germline.

Labcorp Genetics (formerly Invitae), Labcorp
Classification: Uncertain significance for Intellectual disability, autosomal recessive 53. Last evaluated: 2021-07-05. Review status: criteria provided, single submitter. Criteria: Invitae Variant Classification Sherloc (09022015). Collection method: clinical testing. Allele origin: germline.
Comment: This sequence change replaces threonine with arginine at codon 124 of the PIGG protein (p.Thr124Arg). The threonine residue is highly conserved and there is a moderate physicochemical difference between threonine and arginine. This variant is present in population databases (rs370385328, ExAC 0.003%). This variant has not been reported in the literature in individuals affected with PIGG-related conditions. Algorithms developed to predict the effect of missense changes on protein structure and function (SIFT, PolyPhen-2, Align-GVGD) all suggest that this variant is likely to be disruptive. In summary, the available evidence is currently insufficient to determine the role of this variant in disease. Therefore, it has been classified as a Variant of Uncertain Significance.